The following is an entry in ClinVar:

ClinVar aggregate classification (germline): Uncertain significance (1 of 4 stars; one submission).

Submission:

GeneDx
Classification: Uncertain significance. Last evaluated: 2025-06-16. Review status: criteria provided, single submitter. Criteria: GeneDx Variant Classification Process June 2021. Collection method: clinical testing. Allele origin: germline. Affected: yes.
Comment: Not observed at significant frequency in large population cohorts (gnomAD); In silico analysis supports that this missense variant has a deleterious effect on protein structure/function; Has not been previously published as pathogenic or benign to our knowledge; This variant is associated with the following publications: (PMID: 25240749)

NM_001854.4(COL11A1):c.2090G>A (p.Gly697Glu)

Gene: COL11A1 (collagen type XI alpha 1 chain; minus strand). Cytogenetic location: 1p21.1.
Variant type: single nucleotide variant.
Coding change: c.2090G>A on transcript NM_001854.4 (MANE Select); coding-DNA position 2090, G replaced by A.
Protein change: p.Gly697Glu; replaces glycine 697 with glutamic acid.
Molecular consequence: missense variant. On other transcripts: non-coding transcript variant (1).
Genome position (GRCh38, 1-based): chr1:103,002,435, C>T on the plus strand (G>A on the coding strand, the complement: COL11A1 is on the minus strand). VCF-style: chr1-103002435-C-T. GRCh37 (hg19) VCF-style: chr1-103467991-C-T.
Other names: c.1973G>A, p.Gly658Glu (NM_001190709.2); c.2126G>A, p.Gly709Glu (NM_080629.3); c.1742G>A, p.Gly581Glu (NM_080630.4); short protein forms G581E, G658E, G697E, G709E.
Identifiers: ClinVar variation 4538627 (VCV004538627.1).